The following is an entry in ClinVar:

ClinVar aggregate classification (germline): Uncertain significance (1 of 4 stars; one submission).

Conditions:
Atypical hemolytic-uremic syndrome. Identifiers: Orphanet 2134, MedGen C2931788, MONDO:0016244.

Submission:

Genomenon, Inc
Classification: Uncertain significance for Atypical hemolytic-uremic syndrome. Last evaluated: 2025-10-02. Review status: criteria provided, single submitter. Criteria: Genomenon Sequence Variant Interpretation Standards. Collection method: curation. Allele origin: germline. Affected: yes.
Comment: CD46 p.Ser274Ile (c.821G>T) is a missense variant that changes the amino acid at residue 274 from Serine to Isoleucine. This variant has been observed in at least one proband affected with atypical hemolytic-uremic syndrome (PMID:37685848). It is absent or not present at a significant frequency in gnomAD. In silico models agree that this variant is not damaging. In conclusion, we classify CD46 p.Ser274Ile (c.821G>T) as a variant of uncertain significance.

Literature cited by the submitters: PubMed 37685848.

NM_172351.3(CD46):c.821G>T (p.Ser274Ile)

Gene: CD46 (CD46 molecule; plus strand). Cytogenetic location: 1q32.2.
Variant type: single nucleotide variant.
Coding change: c.821G>T on transcript NM_172351.3 (MANE Select); coding-DNA position 821, G replaced by T.
Protein change: p.Ser274Ile; replaces serine 274 with isoleucine.
Molecular consequence: missense variant.
Genome position (GRCh38, 1-based): chr1:207,767,160, G>T. VCF-style: chr1-207767160-G-T. GRCh37 (hg19) VCF-style: chr1-207940505-G-T.
Other names: c.821G>T, p.Ser274Ile (NM_002389.4, NM_153826.4, NM_172350.3 and 8 more transcripts); short protein forms S274I.
Identifiers: ClinVar variation 4291185 (VCV004291185.1).